The following is an entry in ClinVar:

NM_000214.3(JAG1):c.1330G>A (p.Gly444Ser)

Gene: JAG1 (jagged canonical Notch ligand 1; minus strand). Cytogenetic location: 20p12.2.
Variant type: single nucleotide variant.
Coding change: c.1330G>A on transcript NM_000214.3 (MANE Select); coding-DNA position 1330, G replaced by A.
Protein change: p.Gly444Ser; replaces glycine 444 with serine.
Molecular consequence: missense variant.
Genome position (GRCh38, 1-based): chr20:10,649,540, C>T on the plus strand (G>A on the coding strand, the complement: JAG1 is on the minus strand). VCF-style: chr20-10649540-C-T. GRCh37 (hg19) VCF-style: chr20-10630188-C-T.
Other names: short protein forms G444S.
Identifiers: ClinVar variation 1770139 (VCV001770139.2), dbSNP rs2067331900, ClinGen allele CA408238125.

ClinVar aggregate classification (germline): Uncertain significance (1 of 4 stars; one submission).

Conditions:
Cardiovascular phenotype. Identifiers: MedGen CN230736.

Allele frequency attached by ClinVar (database versions not stated): TOPMed 0.00001.

Submission:

Ambry Genetics
Classification: Uncertain significance for Cardiovascular phenotype. Last evaluated: 2022-07-25. Review status: criteria provided, single submitter. Criteria: Ambry Variant Classification Scheme 2023. Collection method: clinical testing. Allele origin: germline.
Comment: The p.G444S variant (also known as c.1330G>A), located in coding exon 10 of the JAG1 gene, results from a G to A substitution at nucleotide position 1330. The glycine at codon 444 is replaced by serine, an amino acid with similar properties. This amino acid position is conserved. In addition, this alteration is predicted to be deleterious by in silico analysis. Since supporting evidence is limited at this time, the clinical significance of this alteration remains unclear.